The following is an entry in ClinVar:

ClinVar aggregate classification (germline): Conflicting classifications of pathogenicity. Review status: criteria provided, conflicting classifications (1 of 4 stars). 4 submissions from 4 submitters: Uncertain significance (2); Likely benign (2). Last evaluated 2025-04-21.

Conditions:
AIFM1-related disorder. Also called: AIFM1-related condition.
Combined oxidative phosphorylation deficiency. Identifiers: MedGen C4540031, MONDO:0000732.
Charcot-Marie-Tooth Neuropathy X. Identifiers: MedGen CN118851.
Inborn genetic diseases. Identifiers: MedGen C0950123, MeSH D030342.

Allele frequency attached by ClinVar (database versions not stated): gnomAD exomes 0.00002 and 0.00004; TOPMed 0.00002; ExAC 0.00003; gnomAD 0.00004.
gnomAD v4.1: 30 of 1,209,901 alleles (0.0025%); highest among the groups gnomAD compares: East Asian, 0.0059%; no homozygotes.

Submissions (4):

PreventionGenetics, part of Exact Sciences
Classification: Uncertain significance for AIFM1-related condition. Last evaluated: 2025-04-21. Review status: criteria provided, single submitter. Criteria: ACMG Guidelines, 2015. Collection method: clinical testing. Allele origin: germline.
Comment: The AIFM1 c.1643C>T variant is predicted to result in the amino acid substitution p.Pro548Leu. To our knowledge, this variant has not been reported in the literature. This variant is reported in 0.0076% of alleles in individuals of European (non-Finnish) descent in gnomAD. Although we suspect that this variant may be benign, at this time, the clinical significance of this variant is uncertain due to the absence of conclusive functional and genetic evidence.

Labcorp Genetics (formerly Invitae), Labcorp
Classification: Likely benign for Charcot-Marie-Tooth Neuropathy X; Combined oxidative phosphorylation deficiency. Last evaluated: 2024-12-05. Review status: criteria provided, single submitter. Criteria: Invitae Variant Classification Sherloc (09022015). Collection method: clinical testing. Allele origin: germline.

Ambry Genetics
Classification: Likely benign for Inborn genetic diseases. Last evaluated: 2021-04-24. Review status: criteria provided, single submitter. Criteria: Ambry Variant Classification Scheme 2023. Collection method: clinical testing. Allele origin: germline.

ARUP Laboratories, Molecular Genetics and Genomics, ARUP Laboratories
Classification: Uncertain significance. Last evaluated: 2020-03-21. Review status: criteria provided, single submitter. Criteria: ARUP Molecular Germline Variant Investigation Process. Collection method: clinical testing. Allele origin: germline.

NM_004208.4(AIFM1):c.1643C>T (p.Pro548Leu)

Genes: AIFM1 (apoptosis inducing factor mitochondria associated 1; minus strand), RAB33A (RAB33A, member RAS oncogene family; plus strand). Cytogenetic location: Xq26.1.
Variant type: single nucleotide variant.
Coding change: c.1643C>T on transcript NM_004208.4 (MANE Select); coding-DNA position 1643, C replaced by T.
Protein change: p.Pro548Leu; replaces proline 548 with leucine.
Molecular consequence: missense variant. On other transcripts: 3 prime UTR variant (1), non-coding transcript variant (1).
Genome position (GRCh38, 1-based): chrX:130,130,097, G>A on the plus strand (C>T on the coding strand, the complement: AIFM1 is on the minus strand). VCF-style: chrX-130130097-G-A. GRCh37 (hg19) VCF-style: chrX-129264072-G-A.
Other names: c.626C>T, p.Pro209Leu (NM_001130846.4); c.*871C>T (NM_001130847.4); c.1631C>T, p.Pro544Leu (NM_145812.3); short protein forms P548L, P209L, P544L.
Identifiers: ClinVar variation 411665 (VCV000411665.20), dbSNP rs750418813, ClinGen allele CA10515242.